The following is an entry in ClinVar:

ClinVar aggregate classification (germline): Benign/Likely benign. Review status: criteria provided, multiple submitters, no conflicts (2 of 4 stars). 4 submissions from 4 submitters: Benign (1); Likely benign (3). Last evaluated 2025-11-29.

Conditions:
Cataract 17 multiple types. Also called: CATARACT 17, PULVERULENT; CATARACT 17, CONGENITAL NUCLEAR, AUTOSOMAL RECESSIVE. Identifiers: Orphanet 91492, MedGen C3888124, MONDO:0012688, OMIM 611544.

Allele frequency attached by ClinVar (database versions not stated): 1000 Genomes Project 0.00060; 1000 Genomes Project 30x 0.00062; ExAC 0.00216; gnomAD 0.00222 and 0.00226; gnomAD exomes 0.00229 and 0.00336; TOPMed 0.00239; ESP Exome Variant Server 0.00300.
gnomAD v4.1: 5,178 of 1,614,086 alleles (0.32%); highest among the groups gnomAD compares: Non-Finnish European, 0.39%; 11 homozygotes.

Submissions (4):

Labcorp Genetics (formerly Invitae), Labcorp
Classification: Benign for Cataract 17 multiple types. Last evaluated: 2025-11-29. Review status: criteria provided, single submitter. Criteria: Invitae Variant Classification Sherloc (09022015). Collection method: clinical testing. Allele origin: germline.

Blueprint Genetics
Classification: Likely benign. Last evaluated: 2024-11-28. Review status: criteria provided, single submitter. Criteria: ACMG Guidelines, 2015. Collection method: clinical testing. Allele origin: germline.

Illumina Laboratory Services, Illumina
Classification: Likely benign for Cataract 17 multiple types. Last evaluated: 2018-01-13. Review status: criteria provided, single submitter. Criteria: ICSL Variant Classification Criteria 13 December 2019. Collection method: clinical testing. Allele origin: germline.
Comment: This variant was observed in the ICSL laboratory as part of a predisposition screen in an ostensibly healthy population. It had not been previously curated by ICSL or reported in the Human Gene Mutation Database (HGMD: prior to June 1st, 2018), and was therefore a candidate for classification through an automated scoring system. Utilizing variant allele frequency, disease prevalence and penetrance estimates, and inheritance mode, an automated score was calculated to assess if this variant is too frequent to cause the disease. Based on the score and internal cut-off values, a variant classified as likely benign is not then subjected to further curation. The score for this variant resulted in a classification of likely benign for this disease.

Breakthrough Genomics
Classification: Likely benign. Review status: criteria provided, single submitter. Criteria: ACMG Guidelines, 2015. Collection method: not provided. Allele origin: germline. Inheritance: Autosomal dominant inheritance. Affected: yes.

NM_001887.4(CRYBB1):c.432+15G>A

Genes: CRYBA4 (crystallin beta A4; plus strand), CRYBB1 (crystallin beta B1; minus strand). Cytogenetic location: 22q12.1.
Variant type: single nucleotide variant.
Coding change: c.432+15G>A on transcript NM_001887.4 (MANE Select); 15 bases into the intron after coding-DNA position 432, G replaced by A.
Molecular consequence: intron variant.
Genome position (GRCh38, 1-based): chr22:26,607,874, C>T on the plus strand (G>A on the coding strand, the complement: CRYBB1 is on the minus strand). VCF-style: chr22-26607874-C-T. GRCh37 (hg19) VCF-style: chr22-27003838-C-T.
Identifiers: ClinVar variation 901236 (VCV000901236.10), dbSNP rs181227194, ClinGen allele CA10165459.
Genomic context (GRCh38, chr22:26,607,874, plus strand): 5'-CTTGTCAGATCTCAGACTTACACCTGCCCTGCCCCGCCTGGCTGATTCTCCAGCCCCAGC[C>T]GGAGAGCCACTCACCATTTTGATGGGCCGGAAGGACATGAGCCGATCACTGCGGTAGCTG-3'